The following is an entry in ClinVar:

NM_000257.4(MYH7):c.261C>T (p.Ile87=)

Gene: MYH7 (myosin heavy chain 7; minus strand). Cytogenetic location: 14q11.2.
Variant type: single nucleotide variant.
Coding change: c.261C>T on transcript NM_000257.4 (MANE Select); coding-DNA position 261, C replaced by T.
Protein change: p.Ile87=; no amino-acid change (isoleucine 87 retained).
Molecular consequence: synonymous variant.
Genome position (GRCh38, 1-based): chr14:23,433,168, G>A on the plus strand (C>T on the coding strand, the complement: MYH7 is on the minus strand). VCF-style: chr14-23433168-G-A. GRCh37 (hg19) VCF-style: chr14-23902377-G-A.
Other names: p.I87I:ATC>ATT; NM_000257.3(MYH7):c.261C>T.
Identifiers: ClinVar variation 42918 (VCV000042918.52), dbSNP rs148560996, ClinGen allele CA012747.

ClinVar aggregate classification (germline): Benign. Review status: reviewed by expert panel (3 of 4 stars). 16 submissions from 16 submitters: Benign (1). 15 of the submissions do not count toward it. Last evaluated 2025-11-11.

Conditions:
Cardiovascular phenotype. Identifiers: MedGen CN230736.
Cardiomyopathy (CMYO). Also called: Cardiomyopathies. Identifiers: Orphanet 167848, MedGen C0878544, MONDO:0004994, HP:0001638. Inheritance: Various modes of inheritance.
Hypertrophic cardiomyopathy. Also called: HYPERTROPHIC MYOCARDIOPATHY. Identifiers: Orphanet 217569, MedGen C0007194, MeSH D002312, MONDO:0005045, HP:0001639.

Allele frequency attached by ClinVar (database versions not stated): ExAC 0.00028; TOPMed 0.00063; ESP Exome Variant Server 0.00069; gnomAD 0.00074 and 0.00078; 1000 Genomes Project 0.00080; 1000 Genomes Project 30x 0.00094.
gnomAD v4.1: 246 of 1,614,062 alleles (0.015%); highest among the groups gnomAD compares: African/African-American, 0.23%; 2 homozygotes.

Submissions (16):

ClinGen Cardiomyopathy Variant Curation Expert Panel
Classification: Benign for Hypertrophic cardiomyopathy. Last evaluated: 2025-11-11. Review status: reviewed by expert panel. Criteria: ClinGen CMP ACMG Specifications v1. Collection method: curation. Allele origin: germline. Inheritance: Autosomal dominant inheritance.
Comment: The filtering allele frequency of the c.261C>T (p.Ile87=) variant in the MYH7 gene is 0.18% (26/10406) of African chromosomes by the Exome Aggregation Consortium, which is a high enough frequency to be classified as benign based on thresholds defined by the ClinGen Inherited Cardiomyopathy Expert Panel (BA1; PMID:29300372).

Molecular Diagnostic Laboratory for Inherited Cardiovascular Disease, Montreal Heart Institute
Classification: Benign. Last evaluated: 2026-09-21. Review status: criteria provided, single submitter. Criteria: ACMG Guidelines, 2015. Collection method: clinical testing. Allele origin: germline. Affected: no. Not counted in ClinVar's aggregate classification.

Labcorp Genetics (formerly Invitae), Labcorp
Classification: Likely benign for Hypertrophic cardiomyopathy. Last evaluated: 2026-02-03. Review status: criteria provided, single submitter. Criteria: Invitae Variant Classification Sherloc (09022015). Collection method: clinical testing. Allele origin: germline. Not counted in ClinVar's aggregate classification.

ARUP Laboratories, Molecular Genetics and Genomics, ARUP Laboratories
Classification: Benign. Last evaluated: 2024-10-17. Review status: criteria provided, single submitter. Criteria: ARUP Molecular Germline Variant Investigation Process 2024. Collection method: clinical testing. Allele origin: germline. Not counted in ClinVar's aggregate classification.

Blueprint Genetics
Classification: Likely benign. Last evaluated: 2024-09-09. Review status: criteria provided, single submitter. Criteria: ACMG Guidelines, 2015. Collection method: clinical testing. Allele origin: germline. Not counted in ClinVar's aggregate classification.

All of Us Research Program, National Institutes of Health
Classification: Benign for Cardiomyopathy. Last evaluated: 2024-02-05. Review status: criteria provided, single submitter. Criteria: ACMG Guidelines, 2015. Collection method: clinical testing. Allele origin: germline. Inheritance: Autosomal dominant inheritance. Observed: 47 variant alleles, 47 heterozygotes. Not counted in ClinVar's aggregate classification.
Comment: This study involves interpretation of variants in research participants for the purpose of population health screening. Participant phenotype was not available at the time of variant classification. Additional details can be found in publication PMID: 35346344, PMCID: PMC8962531

CeGaT Center for Human Genetics Tuebingen
Classification: Likely benign. Last evaluated: 2023-11-01. Review status: criteria provided, single submitter. Criteria: CeGaT Center For Human Genetics Tuebingen Variant Classification Criteria Version 2. Collection method: clinical testing. Allele origin: germline. Affected: yes. Observed: 1 variant allele. Not counted in ClinVar's aggregate classification.
Comment: MYH7: BP4, BP7

Ambry Genetics
Classification: Likely benign for Cardiovascular phenotype. Last evaluated: 2023-05-26. Review status: criteria provided, single submitter. Criteria: Ambry Variant Classification Scheme 2023. Collection method: clinical testing. Allele origin: germline. Not counted in ClinVar's aggregate classification.

Mayo Clinic Laboratories, Mayo Clinic
Classification: Benign. Last evaluated: 2023-04-19. Review status: criteria provided, single submitter. Criteria: ACMG Guidelines, 2015. Collection method: clinical testing. Allele origin: germline. Observed: 3 variant alleles. Not counted in ClinVar's aggregate classification.
Comment: BA1, BP4, BP7

Women's Health and Genetics/Laboratory Corporation of America, LabCorp
Classification: Likely benign. Last evaluated: 2019-12-14. Review status: criteria provided, single submitter. Criteria: LabCorp Variant Classification Summary - May 2015. Collection method: clinical testing. Allele origin: germline. Not counted in ClinVar's aggregate classification.

Color Diagnostics, LLC DBA Color Health
Classification: Benign for Cardiomyopathy. Last evaluated: 2018-11-25. Review status: criteria provided, single submitter. Criteria: ACMG Guidelines, 2015. Collection method: clinical testing. Allele origin: germline. Not counted in ClinVar's aggregate classification.

Laboratory for Molecular Medicine, Mass General Brigham Personalized Medicine
Classification: Likely benign. Last evaluated: 2016-06-16. Review status: criteria provided, single submitter. Criteria: LMM Criteria. Collection method: clinical testing. Allele origin: germline. Observed: 3 variant alleles. Not counted in ClinVar's aggregate classification.
Comment: p.Ile87Ile in exon 4 of MYH7: This variant is not expected to have clinical sign ificance because it does not alter an amino acid residue and is not located with in the splice consensus sequence. It has also been identified in 0.2% (26/10406) of African chromosomes by the Exome Aggregation Consortium (ExAC.; dbSNP rs148560996).

GeneDx
Classification: Benign. Last evaluated: 2013-01-15. Review status: criteria provided, single submitter. Criteria: GeneDx Variant Classification (06012015). Collection method: clinical testing. Allele origin: germline. Affected: yes. Not counted in ClinVar's aggregate classification.
Comment: This variant is considered likely benign or benign based on one or more of the following criteria: it is a conservative change, it occurs at a poorly conserved position in the protein, it is predicted to be benign by multiple in silico algorithms, and/or has population frequency not consistent with disease.

Clinical Genetics DNA and cytogenetics Diagnostics Lab, Erasmus MC, Erasmus Medical Center
Classification: Likely benign. Review status: no assertion criteria provided. Collection method: clinical testing. Allele origin: germline. Affected: yes. Study: VKGL Data-share Consensus. Not counted in ClinVar's aggregate classification.

Clinical Genetics, Academic Medical Center
Classification: Benign. Review status: no assertion criteria provided. Collection method: clinical testing. Allele origin: germline. Affected: yes. Study: VKGL Data-share Consensus. Not counted in ClinVar's aggregate classification.

Genome Diagnostics Laboratory, University Medical Center Utrecht
Classification: Likely benign. Review status: no assertion criteria provided. Collection method: clinical testing. Allele origin: germline. Affected: yes. Study: VKGL Data-share Consensus. Not counted in ClinVar's aggregate classification.

Literature cited by the submitters: PubMed 29300372 (cited by ClinGen Cardiomyopathy Variant Curation Expert Panel).